The following is an entry in ClinVar:

ClinVar aggregate classification (germline): Conflicting classifications of pathogenicity. Review status: criteria provided, conflicting classifications (1 of 4 stars). 6 submissions from 6 submitters: Uncertain significance (3); Likely benign (1). 2 of the submissions do not count toward it. Last evaluated 2026-01-20.

Conditions:
SNRNP200-related disorder. Also called: SNRNP200-related condition.
Retinitis pigmentosa (RP). Identifiers: Orphanet 791, MedGen C0035334, MeSH D012174, MONDO:0019200, OMIM 268000. Inheritance: Autosomal dominant, autosomal recessive and X linked inheritance.

Allele frequency attached by ClinVar (database versions not stated): gnomAD exomes 0.00011 and 0.00022; ExAC 0.00012; 1000 Genomes Project 30x 0.00016; TOPMed 0.00016; 1000 Genomes Project 0.00020; gnomAD 0.00023 and 0.00024; ESP Exome Variant Server 0.00054.
gnomAD v4.1: 349 of 1,613,880 alleles (0.022%); highest among the groups gnomAD compares: Non-Finnish European, 0.028%; no homozygotes.

Submissions (6):

Labcorp Genetics (formerly Invitae), Labcorp
Classification: Likely benign. Last evaluated: 2026-01-20. Review status: criteria provided, single submitter. Criteria: Invitae Variant Classification Sherloc (09022015). Collection method: clinical testing. Allele origin: germline.

PreventionGenetics, part of Exact Sciences
Classification: Uncertain significance for SNRNP200-related condition. Last evaluated: 2024-12-31. Review status: criteria provided, single submitter. Criteria: ACMG Guidelines, 2015. Collection method: clinical testing. Allele origin: germline.
Comment: The SNRNP200 c.578A>G variant is predicted to result in the amino acid substitution p.Asp193Gly. To our knowledge, this variant has not been reported in the literature. This variant is reported in 0.024% of alleles in individuals of African descent in gnomAD. At this time, the clinical significance of this variant is uncertain due to the absence of conclusive functional and genetic evidence.

Blueprint Genetics
Classification: Uncertain significance. Last evaluated: 2024-10-11. Review status: criteria provided, single submitter. Criteria: ACMG Guidelines, 2015. Collection method: clinical testing. Allele origin: germline.

Illumina Laboratory Services, Illumina
Classification: Uncertain significance for Retinitis pigmentosa. Last evaluated: 2018-01-12. Review status: criteria provided, single submitter. Criteria: ICSL Variant Classification Criteria 13 December 2019. Collection method: clinical testing. Allele origin: germline.

Clinical Genetics DNA and cytogenetics Diagnostics Lab, Erasmus MC, Erasmus Medical Center
Classification: Likely benign. Review status: no assertion criteria provided. Collection method: clinical testing. Allele origin: germline. Affected: yes. Study: VKGL Data-share Consensus. Not counted in ClinVar's aggregate classification.

Clinical Genetics, Academic Medical Center
Classification: Likely benign. Review status: no assertion criteria provided. Collection method: clinical testing. Allele origin: germline. Affected: yes. Study: VKGL Data-share Consensus. Not counted in ClinVar's aggregate classification.

NM_014014.5(SNRNP200):c.578A>G (p.Asp193Gly)

Gene: SNRNP200 (small nuclear ribonucleoprotein U5 subunit 200; minus strand). Cytogenetic location: 2q11.2.
Variant type: single nucleotide variant.
Coding change: c.578A>G on transcript NM_014014.5 (MANE Select); coding-DNA position 578, A replaced by G.
Protein change: p.Asp193Gly; replaces aspartic acid 193 with glycine.
Molecular consequence: missense variant.
Genome position (GRCh38, 1-based): chr2:96,301,050, T>C on the plus strand (A>G on the coding strand, the complement: SNRNP200 is on the minus strand). VCF-style: chr2-96301050-T-C. GRCh37 (hg19) VCF-style: chr2-96966788-T-C.
Other names: short protein forms D193G.
Identifiers: ClinVar variation 853273 (VCV000853273.16), dbSNP rs144423660, ClinGen allele CA1779146.